The following is an entry in ClinVar:

ClinVar aggregate classification (germline): Uncertain significance (1 of 4 stars; one submission).

Conditions:
CHARGE syndrome (CHARGE). Also called: Hittner Hirsch Kreh syndrome; CHARGE ASSOCIATION--COLOBOMA, HEART ANOMALY, CHOANAL ATRESIA, RETARDATION, GENITAL AND EAR ANOMALIES; Coloboma, heart anomaly, choanal atresia, retardation, genital and ear anomalies; CHARGE association; Hall-Hittner syndrome. Identifiers: Orphanet 138, MedGen C0265354, MONDO:0008965.

Allele frequency attached by ClinVar (database versions not stated): TOPMed 0.00001.
gnomAD v4.1: 6 of 1,613,260 alleles (0.00037%); highest among the groups gnomAD compares: Admixed American, 0.0017%; no homozygotes.

Submission:

Labcorp Genetics (formerly Invitae), Labcorp
Classification: Uncertain significance for CHARGE syndrome. Last evaluated: 2025-11-24. Review status: criteria provided, single submitter. Criteria: Invitae Variant Classification Sherloc (09022015). Collection method: clinical testing. Allele origin: germline.
Comment: This sequence change creates a premature translational stop signal (p.Arg268*) in the SEMA3E gene. It is expected to result in an absent or disrupted protein product. However, the current clinical and genetic evidence is not sufficient to establish whether loss-of-function variants in SEMA3E cause disease. This variant is not present in population databases (gnomAD no frequency). This variant has not been reported in the literature in individuals affected with SEMA3E-related conditions. ClinVar contains an entry for this variant (Variation ID: 2974104). Algorithms developed to predict the effect of sequence changes on RNA splicing suggest that this variant may disrupt the consensus splice site. In summary, the available evidence is currently insufficient to determine the role of this variant in disease. Therefore, it has been classified as a Variant of Uncertain Significance.

NM_012431.3(SEMA3E):c.802C>T (p.Arg268Ter)

Gene: SEMA3E (semaphorin 3E; minus strand). Cytogenetic location: 7q21.11.
Variant type: single nucleotide variant.
Coding change: c.802C>T on transcript NM_012431.3 (MANE Select); coding-DNA position 802, C replaced by T.
Protein change: p.Arg268Ter; replaces arginine 268 with a stop codon.
Molecular consequence: nonsense.
Genome position (GRCh38, 1-based): chr7:83,407,108, G>A on the plus strand (C>T on the coding strand, the complement: SEMA3E is on the minus strand). VCF-style: chr7-83407108-G-A. GRCh37 (hg19) VCF-style: chr7-83036424-G-A.
Other names: c.622C>T, p.Arg208Ter (NM_001178129.2); short protein forms R268*, R208*.
Identifiers: ClinVar variation 2974104 (VCV002974104.3), dbSNP rs769859383, ClinGen allele CA367930171.